The following is an entry in ClinVar:

NM_007186.6(CEP250):c.3523C>A (p.Gln1175Lys)

Gene: CEP250 (centrosomal protein 250; plus strand). Cytogenetic location: 20q11.22.
Variant type: single nucleotide variant.
Coding change: c.3523C>A on transcript NM_007186.6 (MANE Select); coding-DNA position 3523, C replaced by A.
Protein change: p.Gln1175Lys; replaces glutamine 1175 with lysine.
Molecular consequence: missense variant.
Genome position (GRCh38, 1-based): chr20:35,497,935, C>A. VCF-style: chr20-35497935-C-A. GRCh37 (hg19) VCF-style: chr20-34085764-C-A.
Other names: c.1627C>A, p.Gln543Lys (NM_001318219.1); short protein forms Q1175K, Q543K.
Identifiers: ClinVar variation 1470438 (VCV001470438.6), dbSNP rs138159510, ClinGen allele CA9833491.
Genomic context (GRCh38, chr20:35,497,935, plus strand): 5'-CGACTGCGCAGCACAGAGAGCCAGCTAGAAGCGCTGGCCGCAGAGCAGCAGCCCGGGAAC[C>A]AGGCCCAGGCCCAGGCCCAGCTGGCCAGCCTCTACTCTGCCCTGCAGCAGGCCCTGGGGT-3'
Protein context (NP_009117.2, residues 1165-1185): ALAAEQQPGN[Gln1175Lys]AQAQAQLASL

ClinVar aggregate classification (germline): Conflicting classifications of pathogenicity. Review status: criteria provided, conflicting classifications (1 of 4 stars). 2 submissions from 2 submitters: Uncertain significance (1); Likely benign (1). Last evaluated 2023-12-15.

Allele frequency attached by ClinVar (database versions not stated): ExAC 0.00007; ESP Exome Variant Server 0.00023; 1000 Genomes Project 0.00060.
gnomAD v4.1: 68 of 1,610,268 alleles (0.0042%); highest among the groups gnomAD compares: African/African-American, 0.086%; 1 homozygote.

Submissions (2):

Blueprint Genetics
Classification: Likely benign. Last evaluated: 2023-12-15. Review status: criteria provided, single submitter. Criteria: ACMG Guidelines, 2015. Collection method: clinical testing. Allele origin: germline.

Labcorp Genetics (formerly Invitae), Labcorp
Classification: Uncertain significance. Last evaluated: 2022-10-24. Review status: criteria provided, single submitter. Criteria: Invitae Variant Classification Sherloc (09022015). Collection method: clinical testing. Allele origin: germline.
Comment: This sequence change replaces glutamine, which is neutral and polar, with lysine, which is basic and polar, at codon 1175 of the CEP250 protein (p.Gln1175Lys). This variant is present in population databases (rs138159510, gnomAD 0.07%). This variant has not been reported in the literature in individuals affected with CEP250-related conditions. ClinVar contains an entry for this variant (Variation ID: 1470438). Algorithms developed to predict the effect of missense changes on protein structure and function are either unavailable or do not agree on the potential impact of this missense change (SIFT: "Not Available"; PolyPhen-2: "Benign"; Align-GVGD: "Not Available"). In summary, the available evidence is currently insufficient to determine the role of this variant in disease. Therefore, it has been classified as a Variant of Uncertain Significance.